The following is an entry in ClinVar:

NM_052947.4(ALPK2):c.5848C>T (p.His1950Tyr)

Gene: ALPK2 (alpha kinase 2; minus strand). Cytogenetic location: 18q21.31.
Variant type: single nucleotide variant.
Coding change: c.5848C>T on transcript NM_052947.4 (MANE Select); coding-DNA position 5848, C replaced by T.
Protein change: p.His1950Tyr; replaces histidine 1950 with tyrosine.
Molecular consequence: missense variant.
Genome position (GRCh38, 1-based): chr18:58,517,000, G>A on the plus strand (C>T on the coding strand, the complement: ALPK2 is on the minus strand). VCF-style: chr18-58517000-G-A. GRCh37 (hg19) VCF-style: chr18-56184232-G-A.
Other names: short protein forms H1950Y.
Identifiers: ClinVar variation 3289341 (VCV003289341.1).

ClinVar aggregate classification (germline): Uncertain significance (1 of 4 stars; one submission).

Submission:

Ambry Genetics
Classification: Uncertain significance. Last evaluated: 2024-06-24. Review status: criteria provided, single submitter. Criteria: Ambry Variant Classification Scheme 2023. Collection method: clinical testing. Allele origin: germline.
Comment: The p.H1950Y variant (also known as c.5848C>T), located in coding exon 8 of the ALPK2 gene, results from a C to T substitution at nucleotide position 5848. The histidine at codon 1950 is replaced by tyrosine, an amino acid with similar properties. This amino acid position is conserved. In addition, this alteration is predicted to be tolerated by in silico analysis. Based on the available evidence, the clinical significance of this variant remains unclear.